The following is an entry in ClinVar:

NM_001267550.2(TTN):c.5392A>G (p.Lys1798Glu)

Gene: TTN (titin; minus strand). Cytogenetic location: 2q31.2.
Variant type: single nucleotide variant.
Coding change: c.5392A>G on transcript NM_001267550.2 (MANE Select); coding-DNA position 5392, A replaced by G.
Protein change: p.Lys1798Glu; replaces lysine 1798 with glutamic acid.
Molecular consequence: missense variant.
Genome position (GRCh38, 1-based): chr2:178,776,472, T>C on the plus strand (A>G on the coding strand, the complement: TTN is on the minus strand). VCF-style: chr2-178776472-T-C. GRCh37 (hg19) VCF-style: chr2-179641199-T-C.
Other names: p.Lys1798Glu; c.5392A>G, p.Lys1798Glu (NM_001256850.1, NM_133378.4, NM_133379.5); c.5254A>G, p.Lys1752Glu (NM_003319.4, NM_133432.3, NM_133437.4); short protein forms K1752E, K1798E.
Identifiers: ClinVar variation 3379390 (VCV003379390.1).
Genomic context (GRCh38, chr2:178,776,472, plus strand): 5'-CTTCAATTCTCTGTAAGCCTTTCCTCCCCTCAGGCAATTGGGATTCTTCCACAAGACTTT[T>C]CTCATCTTTAACAATAAGGGTAGCAGATGTGTGATCTGTTCCATATTTGTTAGTGGCTCT-3'
Protein context (NP_001254479.2, residues 1788-1808): TSATLIVKDE[Lys1798Glu]SLVEESQLPE

ClinVar aggregate classification (germline): Uncertain significance (1 of 4 stars; one submission).

gnomAD v4.1: 9 of 1,608,142 alleles (0.00056%); highest among the groups gnomAD compares: Non-Finnish European, 0.00076%; no homozygotes.

Submission:

Mayo Clinic Laboratories, Mayo Clinic
Classification: Uncertain significance. Last evaluated: 2023-12-12. Review status: criteria provided, single submitter. Criteria: ACMG Guidelines, 2015. Collection method: clinical testing. Allele origin: germline. Observed: 1 variant allele.
Comment: PM2